The following is an entry in ClinVar:

ClinVar aggregate classification (germline): Benign. Review status: criteria provided, multiple submitters, no conflicts (2 of 4 stars). 2 submissions from 2 submitters: Benign (2). Last evaluated 2018-01-12.

Conditions:
Griscelli syndrome type 2 (GS2). Also called: GRISCELLI SYNDROME WITH HEMOPHAGOCYTIC SYNDROME; PAID SYNDROME; PARTIAL ALBINISM AND IMMUNODEFICIENCY SYNDROME. Identifiers: Orphanet 381, Orphanet 79477, MedGen C1868679, MONDO:0011872, OMIM 607624.

Allele frequency attached by ClinVar (database versions not stated): gnomAD exomes 0.25000; 1000 Genomes Project 0.26518; 1000 Genomes Project 30x 0.27108; gnomAD 0.27430; TOPMed 0.27679.
gnomAD v4.1: 40,546 of 151,548 alleles (27%); highest among the groups gnomAD compares: African/African-American, 49%; 7,042 homozygotes.

Submissions (2):

Illumina Laboratory Services, Illumina
Classification: Benign for Griscelli syndrome type 2. Last evaluated: 2018-01-12. Review status: criteria provided, single submitter. Criteria: ICSL Variant Classification Criteria 13 December 2019. Collection method: clinical testing. Allele origin: germline.
Comment: This variant was observed in the ICSL laboratory as part of a predisposition screen in an ostensibly healthy population. It had not been previously curated by ICSL or reported in the Human Gene Mutation Database (HGMD: prior to June 1st, 2018), and was therefore a candidate for classification through an automated scoring system. Utilizing variant allele frequency, disease prevalence and penetrance estimates, and inheritance mode, an automated score was calculated to assess if this variant is too frequent to cause the disease. Based on the score and internal cut-off values, a variant classified as benign is not then subjected to further curation. The score for this variant resulted in a classification of benign for this disease.

Breakthrough Genomics
Classification: Benign. Review status: criteria provided, single submitter. Criteria: ACMG Guidelines, 2015. Collection method: not provided. Allele origin: germline. Inheritance: Autosomal recessive inheritance. Affected: yes.

NM_183235.3(RAB27A):c.*1742A>G

Gene: RAB27A (RAB27A, member RAS oncogene family; minus strand). Cytogenetic location: 15q21.3.
Variant type: single nucleotide variant.
Coding change: c.*1742A>G on transcript NM_183235.3 (MANE Select); 1742 bases downstream of the stop codon, A replaced by G.
Molecular consequence: 3 prime UTR variant.
Genome position (GRCh38, 1-based): chr15:55,203,765, T>C on the plus strand (A>G on the coding strand, the complement: RAB27A is on the minus strand). VCF-style: chr15-55203765-T-C. GRCh37 (hg19) VCF-style: chr15-55495963-T-C.
Other names: c.*1742A>G (NM_004580.5, NM_183234.3, NM_183236.3).
Identifiers: ClinVar variation 316618 (VCV000316618.6), dbSNP rs1061824, ClinGen allele CA10636293.